The following is an entry in ClinVar:

NM_000038.6(APC):c.756C>A (p.Thr252=)

Gene: APC (APC regulator of WNT signaling pathway; plus strand). Cytogenetic location: 5q22.2.
Variant type: single nucleotide variant.
Coding change: c.756C>A on transcript NM_000038.6 (MANE Select); coding-DNA position 756, C replaced by A.
Protein change: p.Thr252=; no amino-acid change (threonine 252 retained).
Molecular consequence: synonymous variant. On other transcripts: 5 prime UTR variant (4), non-coding transcript variant (2).
Genome position (GRCh38, 1-based): chr5:112,801,305, C>A. VCF-style: chr5-112801305-C-A. GRCh37 (hg19) VCF-style: chr5-112137002-C-A.
Other names: c.756C>A, p.Thr252= (NM_001127510.3, NM_001354895.2, NM_001354896.2 and 12 more transcripts); c.702C>A, p.Thr234= (NM_001127511.3); c.786C>A, p.Thr262= (NM_001354897.2, NM_001354902.2, NM_001407446.1); c.681C>A, p.Thr227= (NM_001354898.2, NM_001354904.2, NM_001407451.1); c.672C>A, p.Thr224= (NM_001354899.2, NM_001407452.1, NM_001407467.1 and 1 more transcripts); c.579C>A, p.Thr193= (NM_001354900.2, NM_001354901.2, NM_001354905.2 and 1 more transcripts); c.-280C>A (NM_001354906.2, NM_001407470.1, NM_001407471.1 and 1 more transcripts).
Identifiers: ClinVar variation 3349880 (VCV003349880.1).

ClinVar aggregate classification (germline): Likely benign (0 of 4 stars; one submission).

Conditions:
APC-related disorder. Also called: APC-related condition.

Submission:

PreventionGenetics, part of Exact Sciences
Classification: Likely benign for APC-related condition. Last evaluated: 2024-03-08. Review status: no assertion criteria provided. Collection method: clinical testing. Allele origin: germline.
Comment: This variant is classified as likely benign based on ACMG/AMP sequence variant interpretation guidelines (Richards et al. 2015 PMID: 25741868, with internal and published modifications).